The following is an entry in ClinVar:

ClinVar aggregate classification (germline): Pathogenic. Review status: criteria provided, multiple submitters, no conflicts (2 of 4 stars). 10 submissions from 10 submitters: Pathogenic (10). Last evaluated 2025-06-08.

Conditions:
COL7A1-related disorder. Also called: COL7A1- related disorders; COL7A1-related condition.
Epidermolysis bullosa dystrophica. Also called: Dystrophic epidermolysis bullosa, Hallopeau-Siemens type (formerly); Dystrophic epidermolysis bullosa. Identifiers: Orphanet 303, MedGen C0079294, MONDO:0006543.
Epidermolysis bullosa pruriginosa. Also called: DEB, PRURIGINOSA; DYSTROPHIC EPIDERMOLYSIS BULLOSA PRURIGINOSA. Identifiers: Orphanet 89843, MedGen C1275114, MONDO:0011398, OMIM 604129.
Transient bullous dermolysis of the newborn (TBDN). Also called: DYSTROPHIC EPIDERMOLYSIS BULLOSA, NEONATAL; EPIDERMOLYSIS BULLOSA DYSTROPHICA, NEONATAL FORM. Identifiers: Orphanet 79411, MedGen C1851573, MONDO:0007548, OMIM 131705.
Recessive dystrophic epidermolysis bullosa (RDEB). Also called: severe generalized recessive dystrophic epidermolysis bullosa; Epidermolysis Bullosa Distrophica Autosomal Recessive (RDEB); EPIDERMOLYSIS BULLOSA DYSTROPHICA, GENERALIZED SEVERE, AUTOSOMAL RECESSIVE; Recessive DEB (RDEB); epidermolysis bullosa dystrophica, autosomal recessive; Hallopeau-Siemens Disease. Identifiers: Orphanet 79408, Orphanet 79409, MedGen C0079474, MONDO:0009179, OMIM 226600.
Generalized dominant dystrophic epidermolysis bullosa (DDEB). Also called: DDEB, generalized; DDEB-gen; DYSTROPHIC EPIDERMOLYSIS BULLOSA, AUTOSOMAL DOMINANT; Epidermolysis bullosa dystrophica, autosomal dominant; Dominant DEB (DDEB). Identifiers: Orphanet 231568, MedGen C0432322, MONDO:0007549, OMIM 131750.
Dominant dystrophic epidermolysis bullosa with absence of skin. Also called: EPIDERMOLYSIS BULLOSA WITH CONGENITAL LOCALIZED ABSENCE OF SKIN AND DEFORMITY OF NAILS; EPIDERMOLYSIS BULLOSA DYSTROPHICA, BART TYPE. Identifiers: MedGen C0268371, MONDO:0007557, OMIM 132000.
Pretibial dystrophic epidermolysis bullosa. Also called: Pretibial blistering; Pretibial epidermolysis bullosa; EPIDERMOLYSIS BULLOSA DYSTROPHICA, PRETIBIAL. Identifiers: Orphanet 79410, MedGen C0432321, MONDO:0007552, OMIM 131850, HP:0012221.
Nonsyndromic congenital nail disorder 8. Also called: TOENAIL DYSTROPHY, ISOLATED. Identifiers: MedGen C1843761, MONDO:0011852, OMIM 607523.

Allele frequency attached by ClinVar (database versions not stated): gnomAD exomes below 0.00001.

Submissions (10):

Labcorp Genetics (formerly Invitae), Labcorp
Classification: Pathogenic. Last evaluated: 2025-06-08. Review status: criteria provided, single submitter. Criteria: Invitae Variant Classification Sherloc (09022015). Collection method: clinical testing. Allele origin: germline.
Comment: This sequence change replaces glycine, which is neutral and non-polar, with arginine, which is basic and polar, at codon 2028 of the COL7A1 protein (p.Gly2028Arg). This variant is not present in population databases (gnomAD no frequency). This missense change has been observed in individual(s) with autosomal dominant and autosomal recessive dystrophic epidermolysis bullosa (PMID: 10836608, 18429782, 19665875, 30280950). In at least one individual the variant was observed to be de novo. ClinVar contains an entry for this variant (Variation ID: 379476). Invitae Evidence Modeling of protein sequence and biophysical properties (such as structural, functional, and spatial information, amino acid conservation, physicochemical variation, residue mobility, and thermodynamic stability) indicates that this missense variant is expected to disrupt COL7A1 protein function with a positive predictive value of 95%. This variant disrupts the triple helix domain of COL7A1. Glycine residues within the Gly-Xaa-Yaa repeats of the triple helix domain are required for the structure and stability of fibrillar collagens (PMID: 7695699, 8218237, 19344236), and variants at these glycine residues in COL7A1 are more frequently observed in individuals with disease than in the general population (PMID: 22058051). However, the clinical significance of this observation remains uncertain since only a limited number of affected individuals have been described to date. For these reasons, this variant has been classified as Pathogenic.

CeGaT Center for Human Genetics Tuebingen
Classification: Pathogenic. Last evaluated: 2024-07-01. Review status: criteria provided, single submitter. Criteria: CeGaT Center For Human Genetics Tuebingen Variant Classification Criteria Version 2. Collection method: clinical testing. Allele origin: germline. Affected: yes. Observed: 4 variant alleles.
Comment: COL7A1: PM1:Strong, PM2, PM5, PS4:Moderate, PP3

Blueprint Genetics
Classification: Pathogenic for COL7A1-related disorders. Last evaluated: 2024-03-28. Review status: criteria provided, single submitter. Criteria: ACMG Guidelines, 2015. Collection method: clinical testing. Allele origin: germline. Affected: yes. Observed: 5 variant alleles.

Center for Research in Genodermatoses and Epidermolysis Bullosa, University of Buenos Aires
Classification: Pathogenic for Generalized dominant dystrophic epidermolysis bullosa. Last evaluated: 2022-03-14. Review status: criteria provided, single submitter. Criteria: ACMG Guidelines, 2015. Collection method: clinical testing. Allele origin: germline. Affected: yes. Observed: 3 variant alleles, 3 heterozygotes.

Victorian Clinical Genetics Services, Murdoch Childrens Research Institute
Classification: Pathogenic for Dominant dystrophic epidermolysis bullosa with absence of skin. Last evaluated: 2022-02-02. Review status: criteria provided, single submitter. Criteria: ACMG Guidelines, 2015. Collection method: clinical testing. Allele origin: germline.
Comment: Based on the classification scheme VCGS_Germline_v1.3.4, this variant is classified as Pathogenic. Following criteria are met: 0103 - Dominant negative and loss of function are known mechanisms of disease in this gene and are associated with dystrophic epidermolysis bullosa (DEB) (OMIM, PMID: 31670143). (I) 0108 - This gene is associated with both recessive and dominant disease. The spectrum of DEB associated with this gene can be either dominant or recessive. Dominant inheritance (DDEB; MIM#131750) is typically associated with milder phenotypes, whereas recessive inheritance (RDEB; MIM#226600) is usually observed in more severe cases (OMIM). (I) 0115 - Variants in this gene are known to have variable expressivity. Severity ranges from involving only nails to generalized and severe blistering and scarring (PMID: 31670143). (I) 0200 - Variant is predicted to result in a missense amino acid change from glycine to arginine. (I) 0251 - This variant is heterozygous. (I) 0302 - Variant is present in gnomAD (v2) <0.001 (1 heterozygote, 0 homozygotes). (SP) 0501 - Missense variant consistently predicted to be damaging by multiple in silico tools or highly conserved with a major amino acid change. (SP) 0601 - Variant is located in the well-established functional triple repeat region of the collagen domain (NCBI). (SP) 0704 - Another missense variant comparable to the one identified in this case has limited previous evidence for pathogenicity. The variant p.(Gly2028Trp) has been reported both as monoallelic and biallelic in association with epidermolysis bullosa dystrophica (DEB) (PMID: 21448560). (SP) 0801 - This variant has strong previous evidence of pathogenicity in unrelated individuals. It has been reported in multiple individuals with DEB, both monoallelic and biallelic, as well as in association with epidermolysis bullosa pruriginosa and nails only (ClinVar, PMIDs: 21448560, 31001817, 33587123). (I) Legend: (SP) - Supporting pathogenic, (I) - Information, (SB) - Supporting benign

GeneDx
Classification: Pathogenic. Last evaluated: 2021-11-04. Review status: criteria provided, single submitter. Criteria: GeneDx Variant Classification Process June 2021. Collection method: clinical testing. Allele origin: germline. Affected: yes.
Comment: Located in the highly conserved Gly-X-Y repeat of the collagenous domain; Glycine substitution variants in this region of the COLVII protein destabilize the collagen triple helix resulting in skin fragility due to poor anchoring of the basement membrane to the underlying dermis (Pfendner and Lucky, 2018); Not observed at significant frequency in large population cohorts (Lek et al., 2016); In silico analysis supports that this missense variant has a deleterious effect on protein structure/function; This variant is associated with the following publications: (PMID: 11142768, 30293248, 16971478, 21448560, 29334134, 31001817, 33587123, 30280950, 10836608, 15113589)

Athena Diagnostics
Classification: Pathogenic. Last evaluated: 2020-01-30. Review status: criteria provided, single submitter. Criteria: Athena Diagnostics Criteria. Collection method: clinical testing. Allele origin: unknown.
Comment: In dominant COL7A1 associated DEB, identified pathogenic variants are typically heterozygous glycine substitutions within the type VII collagen triple helix (PMID: 18558993, 11260189). This variant has not been reported in large, multi-ethnic general populations. This variant has been identified in individuals, and appears de novo in one individual, with clinical features associated with dominant epidermolysis bullosa (PMID: 10836608, 30293248, 21448560). Computational tools yielded predictions that this amino acid change, which occurs within the type VII collagen triple helix region, may be damaging to the protein.This observation is not an independent occurrence and has been identified in the same individual by RCIGM, the other laboratory participating in the GEMINI study.

Biomedical Innovation Departament, CIEMAT
Classification: Pathogenic for Dystrophic epidermolysis bullosa. Last evaluated: 2019-01-28. Review status: criteria provided, single submitter. Criteria: ACMG Guidelines, 2015. Collection method: research. Allele origin: germline. Affected: yes. Observed: 2 variant alleles.

Fulgent Genetics
Classification: Pathogenic for Transient bullous dermolysis of the newborn; Generalized dominant dystrophic epidermolysis bullosa; Pretibial dystrophic epidermolysis bullosa; Dominant dystrophic epidermolysis bullosa with absence of skin; Recessive dystrophic epidermolysis bullosa; Epidermolysis bullosa pruriginosa; Nonsyndromic congenital nail disorder 8. Last evaluated: 2018-10-31. Review status: criteria provided, single submitter. Criteria: ACMG Guidelines, 2015. Collection method: clinical testing. Allele origin: unknown.

Juno Genomics, Hangzhou Juno Genomics, Inc
Classification: Pathogenic for Generalized dominant dystrophic epidermolysis bullosa. Review status: criteria provided, single submitter. Criteria: ACMG Guidelines, 2015. Collection method: clinical testing. Allele origin: germline. Affected: yes.
Comment: Absent from controls (or at extremely low frequency if recessive) in Genome Aggregation Database, Exome Sequencing Project, 1000 Genomes Project, or Exome Aggregation Consortium.;Multiple lines of computational evidence support a deleterious effect on the gene or gene product (conservation, evolutionary, splicing impact, etc).;Missense variant in a gene that has a low rate of benign missense variation and where missense variants are a common mechanism of disease.;The prevalence of the variant in affected individuals is significantly increased compared to the prevalence in controls.;Co-segregation with disease in multiple affected family members in a gene definitively known to cause the disease.;Assumed de novo, but without confirmation of paternity and maternity.

Literature cited by the submitters: PubMed 10836608 (cited by 3 submitters); PubMed 18429782 (cited by Labcorp Genetics (formerly Invitae), Labcorp); PubMed 19665875 (cited by Labcorp Genetics (formerly Invitae), Labcorp); PubMed 30280950 (cited by Labcorp Genetics (formerly Invitae), Labcorp); PubMed 7695699 (cited by Labcorp Genetics (formerly Invitae), Labcorp); PubMed 8218237 (cited by Labcorp Genetics (formerly Invitae), Labcorp); PubMed 19344236 (cited by Labcorp Genetics (formerly Invitae), Labcorp); PubMed 22058051 (cited by Labcorp Genetics (formerly Invitae), Labcorp); PubMed 35979658 (cited by Center for Research in Genodermatoses and Epidermolysis Bullosa, University of Buenos Aires); PubMed 21448560 (cited by Victorian Clinical Genetics Services, Murdoch Childrens Research Institute); PubMed 31001817 (cited by Victorian Clinical Genetics Services, Murdoch Childrens Research Institute); PubMed 31670143 (cited by Victorian Clinical Genetics Services, Murdoch Childrens Research Institute); PubMed 33587123 (cited by Victorian Clinical Genetics Services, Murdoch Childrens Research Institute).

NM_000094.4(COL7A1):c.6082G>A (p.Gly2028Arg)

Gene: COL7A1 (collagen type VII alpha 1 chain; minus strand). Cytogenetic location: 3p21.31.
Variant type: single nucleotide variant.
Coding change: c.6082G>A on transcript NM_000094.4 (MANE Select); coding-DNA position 6082, G replaced by A.
Protein change: p.Gly2028Arg; replaces glycine 2028 with arginine.
Molecular consequence: missense variant.
Genome position (GRCh38, 1-based): chr3:48,575,437, C>T on the plus strand (G>A on the coding strand, the complement: COL7A1 is on the minus strand). VCF-style: chr3-48575437-C-T. GRCh37 (hg19) VCF-style: chr3-48612870-C-T.
Other names: short protein forms G2028R.
Identifiers: ClinVar variation 379476 (VCV000379476.74), dbSNP rs762162799, ClinGen allele CA16604607.
Genomic context (GRCh38, chr3:48,575,437, plus strand): 5'-CCCTGCCTGGGAGCCCGGGAATACCAGGCTTTCCAGGCTCCCCGGCAAGGCCGGAAGGCC[C>T]GGGGGGGCCCCTCTCCCCAAGGGCCAGACCAGGTGGCCCCTGAGGGCCAGGGTCTCCACG-3'
Protein context (NP_000085.1, residues 2018-2038): GLALGERGPP[Gly2028Arg]PSGLAGEPGK